The following is an entry in ClinVar:

ClinVar aggregate classification (germline): Pathogenic. Review status: criteria provided, single submitter (1 of 4 stars). 2 submissions from 2 submitters: Pathogenic (1). 1 of the submissions does not count toward it. Last evaluated 2023-02-28.

Conditions:
Familial thoracic aortic aneurysm and aortic dissection (TAAD). Also called: Thoracic aortic aneurysms and dissections. Identifiers: Orphanet 91387, MedGen C4707243, MONDO:0019625.
Marfan syndrome (MFS). Also called: Marfan syndrome type 1; Marfan syndrome, classic; Marfan's syndrome; FBN1-Related Marfan Syndrome; MARFAN SYNDROME, TYPE I. Identifiers: Orphanet 284963, Orphanet 558, MedGen C0024796, MONDO:0007947, OMIM 154700.

Submissions (2):

Labcorp Genetics (formerly Invitae), Labcorp
Classification: Pathogenic for Marfan syndrome; Familial thoracic aortic aneurysm and aortic dissection. Last evaluated: 2023-02-28. Review status: criteria provided, single submitter. Criteria: Invitae Variant Classification Sherloc (09022015). Collection method: clinical testing. Allele origin: germline.
Comment: For these reasons, this variant has been classified as Pathogenic. This variant affects a cysteine residue in the EGF-like, TGFBP or hybrid motif domains of FBN1. Cysteine residues are believed to be involved in intramolecular disulfide bridges and have been shown to be important for FBN1 protein structure (PMID: 16905551, 19349279). In addition, missense substitutions affecting cysteine residues within these domains are significantly overrepresented among patients with Marfan syndrome (PMID: 16571647, 17701892). Advanced modeling of protein sequence and biophysical properties (such as structural, functional, and spatial information, amino acid conservation, physicochemical variation, residue mobility, and thermodynamic stability) performed at Invitae indicates that this missense variant is expected to disrupt FBN1 protein function. ClinVar contains an entry for this variant (Variation ID: 549227). This missense change has been observed in individual(s) with Marfan syndrome (PMID: 19159394). In at least one individual the variant was observed to be de novo. This variant is not present in population databases (gnomAD no frequency). This sequence change replaces cysteine, which is neutral and slightly polar, with tyrosine, which is neutral and polar, at codon 1450 of the FBN1 protein (p.Cys1450Tyr).

Center for Medical Genetics Ghent, University of Ghent
Classification: Pathogenic for Marfan syndrome. Last evaluated: 2017-11-07. Review status: no assertion criteria provided. Collection method: clinical testing. Allele origin: germline. Affected: yes. Not counted in ClinVar's aggregate classification.

Literature cited by the submitters: PubMed 16905551 (cited by Labcorp Genetics (formerly Invitae), Labcorp); PubMed 19349279 (cited by Labcorp Genetics (formerly Invitae), Labcorp); PubMed 16571647 (cited by Labcorp Genetics (formerly Invitae), Labcorp); PubMed 17701892 (cited by Labcorp Genetics (formerly Invitae), Labcorp); PubMed 19159394 (cited by Labcorp Genetics (formerly Invitae), Labcorp).

NM_000138.5(FBN1):c.4349G>A (p.Cys1450Tyr)

Gene: FBN1 (fibrillin 1; minus strand). Cytogenetic location: 15q21.1.
Variant type: single nucleotide variant.
Coding change: c.4349G>A on transcript NM_000138.5 (MANE Select); coding-DNA position 4349, G replaced by A.
Protein change: p.Cys1450Tyr; replaces cysteine 1450 with tyrosine.
Molecular consequence: missense variant.
Genome position (GRCh38, 1-based): chr15:48,470,744, C>T on the plus strand (G>A on the coding strand, the complement: FBN1 is on the minus strand). VCF-style: chr15-48470744-C-T. GRCh37 (hg19) VCF-style: chr15-48762941-C-T.
Other names: short protein forms C1450Y.
Identifiers: ClinVar variation 549227 (VCV000549227.6), dbSNP rs1555397419, ClinGen allele CA392354790.